The following is an entry in ClinVar:

ClinVar aggregate classification (germline): Uncertain significance (1 of 4 stars; one submission).

Conditions:
Myoclonic dystonia 11 (DYT11). Also called: DYT-SGCE; Myoclonic dystonia; Dystonia 11; Dystonia, alcohol responsive; Hereditary essential myoclonus; SGCE Myoclonus-Dystonia. Identifiers: Orphanet 36899, MedGen C1834570, MONDO:0008044, OMIM 159900.

Submission:

Labcorp Genetics (formerly Invitae), Labcorp
Classification: Uncertain significance for Myoclonic dystonia 11. Last evaluated: 2023-08-03. Review status: criteria provided, single submitter. Criteria: Invitae Variant Classification Sherloc (09022015). Collection method: clinical testing. Allele origin: germline.
Comment: In summary, the available evidence is currently insufficient to determine the role of this variant in disease. Therefore, it has been classified as a Variant of Uncertain Significance. Advanced modeling of protein sequence and biophysical properties (such as structural, functional, and spatial information, amino acid conservation, physicochemical variation, residue mobility, and thermodynamic stability) performed at Invitae indicates that this missense variant is not expected to disrupt SGCE protein function. This variant is not present in population databases (gnomAD no frequency). This variant has not been reported in the literature in individuals affected with SGCE-related conditions. This sequence change replaces arginine, which is basic and polar, with proline, which is neutral and non-polar, at codon 137 of the SGCE protein (p.Arg137Pro).

NM_003919.3(SGCE):c.410G>C (p.Arg137Pro)

Genes: CASD1 (CAS1 domain sialic acid O acetyltransferase 1; plus strand), SGCE (sarcoglycan epsilon; minus strand). Cytogenetic location: 7q21.3.
Variant type: single nucleotide variant.
Coding change: c.410G>C on transcript NM_003919.3 (MANE Select); coding-DNA position 410, G replaced by C.
Protein change: p.Arg137Pro; replaces arginine 137 with proline.
Molecular consequence: missense variant.
Genome position (GRCh38, 1-based): chr7:94,623,378, C>G on the plus strand (G>C on the coding strand, the complement: SGCE is on the minus strand). VCF-style: chr7-94623378-C-G. GRCh37 (hg19) VCF-style: chr7-94252690-C-G.
Other names: c.410G>C, p.Arg137Pro (NM_001099400.2, NM_001099401.2, NM_001346717.2); c.287G>C, p.Arg96Pro (NM_001301139.2, NM_001362809.2); c.518G>C, p.Arg173Pro (NM_001346713.2, NM_001346715.2); c.323G>C, p.Arg108Pro (NM_001346719.2, NM_001362807.2); c.137G>C, p.Arg46Pro (NM_001346720.2, NM_001362808.2); short protein forms R173P, R46P, R108P, R137P, R96P.
Identifiers: ClinVar variation 2718220 (VCV002718220.3), dbSNP rs548306335, ClinGen allele CA368236860.